The following is an entry in ClinVar:

NM_004211.5(SLC6A5):c.2105C>G (p.Pro702Arg)

Gene: SLC6A5 (solute carrier family 6 member 5; plus strand). Cytogenetic location: 11p15.1.
Variant type: single nucleotide variant.
Coding change: c.2105C>G on transcript NM_004211.5 (MANE Select); coding-DNA position 2105, C replaced by G.
Protein change: p.Pro702Arg; replaces proline 702 with arginine.
Molecular consequence: missense variant.
Genome position (GRCh38, 1-based): chr11:20,652,323, C>G. VCF-style: chr11-20652323-C-G. GRCh37 (hg19) VCF-style: chr11-20673869-C-G.
Other names: c.1403C>G, p.Pro468Arg (NM_001318369.2); short protein forms P702R, P468R.
Identifiers: ClinVar variation 1372801 (VCV001372801.8), dbSNP rs2133825021, ClinGen allele CA379915939.

ClinVar aggregate classification (germline): Uncertain significance (1 of 4 stars; one submission).

Conditions:
Hyperekplexia 3 (HKPX3). Also called: HYPEREKPLEXIA 3, AUTOSOMAL RECESSIVE; HYPEREKPLEXIA 3, AUTOSOMAL DOMINANT. Identifiers: Orphanet 3197, MedGen C3553288, MONDO:0013827, OMIM 614618.

gnomAD v4.1: 1 of 1,614,116 alleles (0.000062%); highest among the groups gnomAD compares: Non-Finnish European, 0.000085%; no homozygotes.

Submission:

Labcorp Genetics (formerly Invitae), Labcorp
Classification: Uncertain significance for Hyperekplexia 3. Last evaluated: 2023-07-14. Review status: criteria provided, single submitter. Criteria: Invitae Variant Classification Sherloc (09022015). Collection method: clinical testing. Allele origin: germline.
Comment: Advanced modeling of protein sequence and biophysical properties (such as structural, functional, and spatial information, amino acid conservation, physicochemical variation, residue mobility, and thermodynamic stability) performed at Invitae indicates that this missense variant is not expected to disrupt SLC6A5 protein function. ClinVar contains an entry for this variant (Variation ID: 1372801). This variant has not been reported in the literature in individuals affected with SLC6A5-related conditions. This variant is not present in population databases (gnomAD no frequency). This sequence change replaces proline, which is neutral and non-polar, with arginine, which is basic and polar, at codon 702 of the SLC6A5 protein (p.Pro702Arg). In summary, the available evidence is currently insufficient to determine the role of this variant in disease. Therefore, it has been classified as a Variant of Uncertain Significance.